The following is an entry in ClinVar:

ClinVar aggregate classification (germline): Pathogenic. Review status: criteria provided, multiple submitters, no conflicts (2 of 4 stars). 6 submissions from 6 submitters: Pathogenic (6). Last evaluated 2026-02-10.

Conditions:
PLA2G6-associated neurodegeneration (PLAN). Also called: phospholipase A2-associated neurodegeneration. Identifiers: Orphanet 329303, MedGen CN204472, MONDO:0017998.
PLA2G6-related disorder. Also called: PLA2G6-related condition.
Infantile neuroaxonal dystrophy (NBIA2A). Also called: Infantile neuroaxonal dystrophy 1; NEURODEGENERATION WITH BRAIN IRON ACCUMULATION 2A; SEITELBERGER DISEASE. Identifiers: Orphanet 35069, MedGen C0270724, MONDO:0024457, OMIM 256600.
Iron accumulation in brain. Identifiers: MedGen C4021076, HP:0012675.

Allele frequency attached by ClinVar (database versions not stated): gnomAD 0.00001 and 0.00002; gnomAD exomes 0.00001 and below 0.00001; TOPMed 0.00007.

Submissions (6):

PreventionGenetics, part of Exact Sciences
Classification: Pathogenic for PLA2G6-related condition. Last evaluated: 2026-02-10. Review status: criteria provided, single submitter. Criteria: ACMG Guidelines, 2015. Collection method: clinical testing. Allele origin: germline.
Comment: The PLA2G6 c.1351delC variant is predicted to result in a frameshift and premature protein termination (p.Leu451Tyrfs*20). This variant has been reported in the apparently homozygous state in at least two patients with infantile neuroaxonal dystrophy (INAD) with and without brain iron (Morgan et al 2006. PubMed ID: 16783378). Additional analyses via MLPA on the paternal sample and microsatellite analysis of markers on chromosome 22, suggested that the patient was homozygous due to maternal uniparental disomy (Solomons et al. 2013. PubMed ID: 24628589). In addition, this variant was also reported in the homozygous state in an individual with an inherited retinal disease who was also homozygous for a variant in SLC38A8 (Patient ID 3719, Reported via NM_001004426 as c.1189delC (p.Leu397Tyrfs*20), Soens et al. 2017. PubMed ID: 28714225). This variant is reported in 0.00089% of alleles in individuals of European (Non-Finnish) descent in gnomAD. Frameshift variants in PLA2G6 are expected to be pathogenic. This variant is interpreted as pathogenic.

Labcorp Genetics (formerly Invitae), Labcorp
Classification: Pathogenic for Infantile neuroaxonal dystrophy. Last evaluated: 2025-05-23. Review status: criteria provided, single submitter. Criteria: Invitae Variant Classification Sherloc (09022015). Collection method: clinical testing. Allele origin: germline.
Comment: This sequence change creates a premature translational stop signal (p.Leu451Tyrfs*20) in the PLA2G6 gene. It is expected to result in an absent or disrupted protein product. Loss-of-function variants in PLA2G6 are known to be pathogenic (PMID: 16783378, 18570303, 18799783, 22213678). This variant is present in population databases (rs587784329, gnomAD 0.0009%). This premature translational stop signal has been observed in individuals with PLA2G6-related conditions (PMID: 16783378, 24628589, 28714225). ClinVar contains an entry for this variant (Variation ID: 159730). For these reasons, this variant has been classified as Pathogenic.

GeneDx
Classification: Pathogenic. Last evaluated: 2024-10-02. Review status: criteria provided, single submitter. Criteria: GeneDx Variant Classification Process June 2021. Collection method: clinical testing. Allele origin: germline. Affected: yes.
Comment: Observed in apparent homozygous state in patients in published literature (PMID: 24628589, 16783378) with INAD and not observed in homozygous state in controls; Frameshift variant predicted to result in protein truncation or nonsense mediated decay in a gene for which loss-of-function is a known mechanism of disease; Not observed at a significant frequency in large population cohorts (gnomAD); This variant is associated with the following publications: (PMID: 28714225, 16783378, 31589614, 24628589)

Broad Center for Mendelian Genomics, Broad Institute of MIT and Harvard
Classification: Pathogenic for PLA2G6-associated neurodegeneration. Last evaluated: 2023-01-24. Review status: criteria provided, single submitter. Criteria: ACMG Guidelines, 2015. Collection method: curation. Allele origin: germline. Inheritance: Autosomal recessive inheritance.
Comment: The p.Leu451fs variant in PLA2G6 has been reported in 2 individuals with PLA2G6-associated neurodegeneration (PMID: 16783378, 24628589), and has been identified in 0.0009% (1/112278) of European (non-Finnish) chromosomes by the Genome Aggregation Database (gnomAD; dbSNP ID: rs587784329). Although this variant has been seen in the general population in a heterozygous state, its frequency is low enough to be consistent with a recessive carrier frequency. This variant has also been reported in ClinVar (Variation ID#: 159730) and has been interpreted as pathogenic by Invitae, GeneDx, and Genetic Services Laboratory (University of Chicago). Of the 2 affected individuals, both were homozygotes, which increases the likelihood that the p.Leu451fs variant is pathogenic (PMID: 16783378, 24628589). This variant is predicted to cause a frameshift, which alters the protein‚Äôs amino acid sequence beginning at position 451 and leads to a premature termination codon 20 amino acids downstream. This alteration is then predicted to lead to a truncated or absent protein. Loss of function of the PLA2G6 gene is an established disease mechanism in PLA2G6-associated neurodegeneration. In summary, this variant meets criteria to be classified as pathogenic for autosomal recessive PLA2G6-associated neurodegeneration. ACMG/AMP Criteria applied: PVS1, PM2_supporting, PM3 (Richards 2015).

Laboratorio de Genetica e Diagnostico Molecular, Hospital Israelita Albert Einstein
Classification: Pathogenic for Infantile neuroaxonal dystrophy. Last evaluated: 2022-07-19. Review status: criteria provided, single submitter. Criteria: ACMG Guidelines, 2015. Collection method: clinical testing. Allele origin: germline. Affected: yes. Observed: 1 variant allele.
Comment: ACMG classification criteria: PVS1 very strong, PS4 supporting, PM2 moderated, PM3 supporting

Genetic Services Laboratory, University of Chicago
Classification: Pathogenic for iron accumulation in brain. Last evaluated: 2013-02-08. Review status: criteria provided, single submitter. Criteria: ACMG Guidelines, 2007. Collection method: clinical testing. Allele origin: germline. Inheritance: Autosomal recessive inheritance. Affected: yes.

Literature cited by the submitters: PubMed 16783378 (cited by Labcorp Genetics (formerly Invitae), Labcorp); PubMed 18570303 (cited by Labcorp Genetics (formerly Invitae), Labcorp); PubMed 18799783 (cited by Labcorp Genetics (formerly Invitae), Labcorp); PubMed 22213678 (cited by Labcorp Genetics (formerly Invitae), Labcorp); PubMed 24628589 (cited by Labcorp Genetics (formerly Invitae), Labcorp); PubMed 28714225 (cited by Labcorp Genetics (formerly Invitae), Labcorp).

NC_000022.10:g.38522454delG

Gene: PLA2G6 (phospholipase A2 group VI; minus strand). Cytogenetic location: 22q13.1.
Variant type: Deletion.
Molecular consequence: frameshift variant (on NM_003560.4).
Genome position: GRCh38 VCF-style: chr22-38126446-AG-A. GRCh37 (hg19) VCF-style: chr22-38522453-AG-A.
Other names: c.1189del, p.Leu397fs (NM_001004426.3, NM_001199562.3, NM_001349865.2 and 1 more transcripts); c.1351del, p.Leu451fs (NM_001349864.2, NM_003560.4); c.817del, p.Leu273fs (NM_001349867.2); c.673del, p.Leu225fs (NM_001349868.2); c.655del, p.Leu219fs (NM_001349869.2); c.1351delC (NM_003560.2); short protein forms L273fs, L219fs, L225fs, L397fs, L451fs.
Identifiers: ClinVar variation 159730 (VCV000159730.22), dbSNP rs587784329, ClinGen allele CA173203.